The following is an entry in ClinVar:

NM_000222.3(KIT):c.2424T>G (p.Ile808Met)

Gene: KIT (KIT proto-oncogene, receptor tyrosine kinase; plus strand). Cytogenetic location: 4q12.
Variant type: single nucleotide variant.
Coding change: c.2424T>G on transcript NM_000222.3 (MANE Select); coding-DNA position 2424, T replaced by G.
Protein change: p.Ile808Met; replaces isoleucine 808 with methionine.
Molecular consequence: missense variant.
Genome position (GRCh38, 1-based): chr4:54,733,132, T>G. VCF-style: chr4-54733132-T-G. GRCh37 (hg19) VCF-style: chr4-55599298-T-G.
Other names: c.2412T>G, p.Ile804Met (NM_001385292.1, NM_001093772.2); c.2427T>G, p.Ile809Met (NM_001385284.1); c.2421T>G, p.Ile807Met (NM_001385285.1); c.2409T>G, p.Ile803Met (NM_001385286.1); c.2415T>G, p.Ile805Met (NM_001385288.1); c.2424T>G, p.Ile808Met (NM_001385290.1); short protein forms I803M, I804M, I805M, I807M, I808M, I809M.
Identifiers: ClinVar variation 4538531 (VCV004538531.1).

ClinVar aggregate classification (germline): Pathogenic (1 of 4 stars; one submission).

Conditions:
Piebaldism. Also called: Piebald skin depigmentation. Identifiers: Orphanet 2884, MedGen C0080024, MONDO:0008244, OMIM 172800, HP:0007544.

Submission:

Department of Dermatology, Sapporo Medical University School of Medicine
Classification: Pathogenic for piebaldism. Last evaluated: 2025-12-18. Review status: criteria provided, single submitter. Criteria: ACMG Guidelines, 2015. Collection method: clinical testing. Allele origin: de novo. Affected: yes. Observed: 1 heterozygote.
Comment: De novo occurrence confirmed by parental testing (PS2). Absent from population databases (PM2). A different amino acid substitution at the same codon has been reported as likely pathogenic (PM5). Multiple in silico tools predict a deleterious effect (PP3). The phenotype is highly specific for KIT-related piebaldism (PP4).